The following is an entry in ClinVar:

NM_014633.5(CTR9):c.2633G>A (p.Arg878Gln)

Gene: CTR9 (CTR9 homolog, Paf1/RNA polymerase II complex component; plus strand). Cytogenetic location: 11p15.4.
Variant type: single nucleotide variant.
Coding change: c.2633G>A on transcript NM_014633.5 (MANE Select); coding-DNA position 2633, G replaced by A.
Protein change: p.Arg878Gln; replaces arginine 878 with glutamine.
Molecular consequence: missense variant.
Genome position (GRCh38, 1-based): chr11:10,773,179, G>A. VCF-style: chr11-10773179-G-A. GRCh37 (hg19) VCF-style: chr11-10794726-G-A.
Other names: c.2561G>A, p.Arg854Gln (NM_001346279.2); short protein forms R854Q, R878Q.
Identifiers: ClinVar variation 1173027 (VCV001173027.2), dbSNP rs1397467879, ClinGen allele CA379676372.
Genomic context (GRCh38, chr11:10,773,179, plus strand): 5'-CCTCATAGGAAGAGAAACGTCTCAGAGAAAAGGAAGAGCAAAAGAAACTTTTGGAACAGC[G>A]GGCCCAGTATGTGGAGAAGACCAAAAATATTCTTATGTTTACTGGTGAGACTGAAGCAAC-3'
Protein context (NP_055448.1, residues 868-888): KEEQKKLLEQ[Arg878Gln]AQYVEKTKNI

ClinVar aggregate classification (germline): Likely pathogenic (1 of 4 stars; one submission).

Conditions:
CTR9-related neurodevelopmental disorder. Identifiers: MedGen CN378764, MONDO:1040006.

Allele frequency attached by ClinVar (database versions not stated): gnomAD exomes below 0.00001.
gnomAD v4.1: 1 of 1,612,464 alleles (0.000062%); highest among the groups gnomAD compares: Non-Finnish European, 0.000085%; no homozygotes.

Submission:

Centre of Medical Genetics, University of Antwerp
Classification: Likely pathogenic for CTR9-related neurodevelopmental disorder. Last evaluated: 2021-04-01. Review status: criteria provided, single submitter. Criteria: ACMG Guidelines, 2015. Collection method: research. Allele origin: de novo. Affected: yes.
Comment: PS2, PM2, PP3